The following is an entry in ClinVar:

ClinVar aggregate classification (germline): Benign/Likely benign. Review status: criteria provided, multiple submitters, no conflicts (2 of 4 stars). 3 submissions from 3 submitters: Benign (1); Likely benign (2). Last evaluated 2024-03-27.

Conditions:
Hereditary cancer-predisposing syndrome. Also called: Tumor predisposition; Hereditary neoplastic syndrome; Neoplastic Syndromes, Hereditary; Hereditary Cancer Syndrome. Identifiers: Orphanet 140162, MedGen C0027672, MeSH D009386, MONDO:0015356.
Familial adenomatous polyposis 1 (FAP1). Also called: FAMILIAL ADENOMATOUS POLYPOSIS 1, ATTENUATED; POLYPOSIS, ADENOMATOUS INTESTINAL. Identifiers: MedGen C2713442, MONDO:0021056, OMIM 175100. Disease mechanism: loss of function.

Submissions (3):

Myriad Genetics, Inc.
Classification: Benign for Familial adenomatous polyposis 1. Last evaluated: 2024-03-27. Review status: criteria provided, single submitter. Criteria: Myriad Autosomal Dominant, Autosomal Recessive and X-Linked Classification Criteria (2023). Collection method: clinical testing. Allele origin: unknown.
Comment: This variant is considered benign. This variant is a silent/synonymous amino acid change and it is not expected to impact splicing.

Ambry Genetics
Classification: Likely benign for Hereditary cancer-predisposing syndrome. Last evaluated: 2023-11-24. Review status: criteria provided, single submitter. Criteria: Ambry Variant Classification Scheme 2023. Collection method: clinical testing. Allele origin: germline.

Labcorp Genetics (formerly Invitae), Labcorp
Classification: Likely benign for Familial adenomatous polyposis 1. Last evaluated: 2023-06-09. Review status: criteria provided, single submitter. Criteria: Invitae Variant Classification Sherloc (09022015). Collection method: clinical testing. Allele origin: germline.

NM_000038.6(APC):c.4449A>G (p.Pro1483=)

Gene: APC (APC regulator of Wnt signaling pathway; plus strand). Cytogenetic location: 5q22.2.
Variant type: single nucleotide variant.
Coding change: c.4449A>G on transcript NM_000038.6 (MANE Select); coding-DNA position 4449, A replaced by G.
Protein change: p.Pro1483=; no amino-acid change (proline 1483 retained).
Molecular consequence: synonymous variant.
Genome position (GRCh38, 1-based): chr5:112,840,043, A>G. VCF-style: chr5-112840043-A-G. GRCh37 (hg19) VCF-style: chr5-112175740-A-G.
Other names: c.4449A>G, p.Pro1483= (NM_001127510.3, NM_001354895.2); c.4395A>G, p.Pro1465= (NM_001127511.3); c.4503A>G, p.Pro1501= (NM_001354896.2); c.4479A>G, p.Pro1493= (NM_001354897.2); c.4374A>G, p.Pro1458= (NM_001354898.2); c.4365A>G, p.Pro1455= (NM_001354899.2); c.4326A>G, p.Pro1442= (NM_001354900.2); c.4272A>G, p.Pro1424= (NM_001354901.2); and 6 more.
Identifiers: ClinVar variation 1077806 (VCV001077806.11), dbSNP rs1765683928, ClinGen allele CA446206485.